The following is an entry in ClinVar:

ClinVar aggregate classification (germline): Benign/Likely benign. Review status: criteria provided, multiple submitters, no conflicts (2 of 4 stars). 6 submissions from 6 submitters: Benign (3); Likely benign (2). 1 of the submissions does not count toward it. Last evaluated 2026-01-27.

Conditions:
D-2-hydroxyglutaric aciduria 2 (D2HGA2). Identifiers: Orphanet 79315, MedGen C3150909, MONDO:0013345, OMIM 613657.

Allele frequency attached by ClinVar (database versions not stated): 1000 Genomes Project 30x 0.08182; gnomAD exomes 0.01966 and 0.02819; ExAC 0.04916; gnomAD 0.07241 and 0.07655; ESP Exome Variant Server 0.07608; 1000 Genomes Project 0.07867; TOPMed 0.07984.
gnomAD v4.1: 39,205 of 1,557,252 alleles (2.5%); highest among the groups gnomAD compares: African/African-American, 21%; 1,945 homozygotes.

Submissions (6):

Labcorp Genetics (formerly Invitae), Labcorp
Classification: Benign for D-2-hydroxyglutaric aciduria 2. Last evaluated: 2026-01-27. Review status: criteria provided, single submitter. Criteria: Invitae Variant Classification Sherloc (09022015). Collection method: clinical testing. Allele origin: germline.

CeGaT Center for Human Genetics Tuebingen
Classification: Benign. Last evaluated: 2025-06-01. Review status: criteria provided, single submitter. Criteria: CeGaT Center For Human Genetics Tuebingen Variant Classification Criteria Version 2. Collection method: clinical testing. Allele origin: germline. Affected: yes. Observed: 1 variant allele.
Comment: IDH2: BP4, BP7, BS1, BS2

GeneDx
Classification: Benign. Last evaluated: 2021-03-01. Review status: criteria provided, single submitter. Criteria: GeneDx Variant Classification Process June 2021. Collection method: clinical testing. Allele origin: germline. Affected: yes.

Genetic Services Laboratory, University of Chicago
Classification: Likely benign. Last evaluated: 2013-10-31. Review status: criteria provided, single submitter. Criteria: ACMG Guidelines, 2007. Collection method: clinical testing. Allele origin: germline. Inheritance: Autosomal dominant inheritance.
Comment: Likely benign based on allele frequency in 1000 Genomes Project or ESP global frequency and its presence in a patient with a rare or unrelated disease phenotype. NOT Sanger confirmed

Breakthrough Genomics
Classification: Likely benign. Review status: criteria provided, single submitter. Criteria: ACMG Guidelines, 2015. Collection method: not provided. Allele origin: germline. Inheritance: Unknown mechanism. Affected: yes.

Mayo Clinic Laboratories, Mayo Clinic
Classification: Benign. Last evaluated: 2016-02-29. Review status: no assertion criteria provided. Collection method: clinical testing. Allele origin: unknown. Not counted in ClinVar's aggregate classification.

NM_002168.4(IDH2):c.996C>T (p.Ser332=)

Gene: IDH2 (isocitrate dehydrogenase (NADP(+)) 2; minus strand). Cytogenetic location: 15q26.1.
Variant type: single nucleotide variant.
Coding change: c.996C>T on transcript NM_002168.4 (MANE Select); coding-DNA position 996, C replaced by T.
Protein change: p.Ser332=; no amino-acid change (serine 332 retained).
Molecular consequence: synonymous variant.
Genome position (GRCh38, 1-based): chr15:90,085,359, G>A on the plus strand (C>T on the coding strand, the complement: IDH2 is on the minus strand). VCF-style: chr15-90085359-G-A. GRCh37 (hg19) VCF-style: chr15-90628591-G-A.
Other names: c.840C>T, p.Ser280= (NM_001289910.1); c.606C>T, p.Ser202= (NM_001290114.2).
Identifiers: ClinVar variation 158669 (VCV000158669.29), dbSNP rs61737003, ClinGen allele CA172311.
Genomic context (GRCh38, chr15:90,085,359, plus strand): 5'-GGTGACGGTCCCATGAGCGGCCTCAGCCTCAATCGTCTTCCCATCAGGGCAGACCAGGAC[G>A]GACGTCATCAGGCCAAGGGAGCCAAAGCCTGGAGGGTAGAAAGCCTTTCTCTCAGGGCCT-3'
Protein context (NP_002159.2, residues 322-342): QGFGSLGLMT[Ser332=]VLVCPDGKTI